The following is an entry in ClinVar:

NM_152795.4(HIF3A):c.1672G>A (p.Asp558Asn)

Gene: HIF3A (hypoxia inducible factor 3 subunit alpha; plus strand). Cytogenetic location: 19q13.32.
Variant type: single nucleotide variant.
Coding change: c.1672G>A on transcript NM_152795.4 (MANE Select); coding-DNA position 1672, G replaced by A.
Protein change: p.Asp558Asn; replaces aspartic acid 558 with asparagine.
Molecular consequence: missense variant. On other transcripts: intron variant (1).
Genome position (GRCh38, 1-based): chr19:46,329,438, G>A. VCF-style: chr19-46329438-G-A. GRCh37 (hg19) VCF-style: chr19-46832695-G-A.
Other names: p.Asp558Asn; c.1465G>A, p.Asp489Asn (NM_022462.4); c.1666G>A, p.Asp556Asn (NM_152794.4); c.1233+3799G>A (NM_152796.2); short protein forms D556N, D489N, D558N.
Identifiers: ClinVar variation 2269667 (VCV002269667.3), dbSNP rs200007011, ClinGen allele CA9527693.

ClinVar aggregate classification (germline): Conflicting classifications of pathogenicity. Review status: criteria provided, conflicting classifications (1 of 4 stars). 2 submissions from 2 submitters: Uncertain significance (1); Likely benign (1). Last evaluated 2024-02-16.

Allele frequency attached by ClinVar (database versions not stated): gnomAD exomes 0.00035; gnomAD 0.00040; ESP Exome Variant Server 0.00046; ExAC 0.00047; TOPMed 0.00053.
gnomAD v4.1: 591 of 1,565,602 alleles (0.038%); highest among the groups gnomAD compares: Middle Eastern, 0.58%; no homozygotes.

Submissions (2):

Mayo Clinic Laboratories, Mayo Clinic
Classification: Uncertain significance. Last evaluated: 2024-02-16. Review status: criteria provided, single submitter. Criteria: ACMG Guidelines, 2015. Collection method: clinical testing. Allele origin: germline. Observed: 2 variant alleles.
Comment: BP4

Ambry Genetics
Classification: Likely benign. Last evaluated: 2021-11-15. Review status: criteria provided, single submitter. Criteria: Ambry Variant Classification Scheme 2023. Collection method: clinical testing. Allele origin: germline.